The following is an entry in ClinVar:

NM_002439.5(MSH3):c.2414C>T (p.Ala805Val)

Gene: MSH3 (mutS homolog 3; plus strand). Cytogenetic location: 5q14.1.
Variant type: single nucleotide variant.
Coding change: c.2414C>T on transcript NM_002439.5 (MANE Select); coding-DNA position 2414, C replaced by T.
Protein change: p.Ala805Val; replaces alanine 805 with valine.
Molecular consequence: missense variant.
Genome position (GRCh38, 1-based): chr5:80,778,815, C>T. VCF-style: chr5-80778815-C-T. GRCh37 (hg19) VCF-style: chr5-80074634-C-T.
Other names: short protein forms A805V.
Identifiers: ClinVar variation 3222265 (VCV003222265.1), dbSNP rs1580045688, ClinGen allele CA360281897.

ClinVar aggregate classification (germline): Uncertain significance (1 of 4 stars; one submission).

Conditions:
Hereditary cancer-predisposing syndrome. Also called: Tumor predisposition; Hereditary neoplastic syndrome; Hereditary Cancer Syndrome; Neoplastic Syndromes, Hereditary. Identifiers: Orphanet 140162, MedGen C0027672, MeSH D009386, MONDO:0015356.

Submission:

Ambry Genetics
Classification: Uncertain significance for Hereditary cancer-predisposing syndrome. Last evaluated: 2023-10-28. Review status: criteria provided, single submitter. Criteria: Ambry Variant Classification Scheme 2023. Collection method: clinical testing. Allele origin: germline.
Comment: The p.A805V variant (also known as c.2414C>T), located in coding exon 17 of the MSH3 gene, results from a C to T substitution at nucleotide position 2414. The alanine at codon 805 is replaced by valine, an amino acid with similar properties. This amino acid position is conserved. In addition, this alteration is predicted to be tolerated by in silico analysis. Since supporting evidence is limited at this time, the clinical significance of this alteration remains unclear.